The following is an entry in ClinVar:

NM_000138.5(FBN1):c.6145del (p.Ser2049fs)

Gene: FBN1 (fibrillin 1; minus strand). Cytogenetic location: 15q21.1.
Variant type: Deletion.
Coding change: c.6145del on transcript NM_000138.5 (MANE Select); coding-DNA position 6145, one base deleted (A; older notation c.6145delA).
Protein change: p.Ser2049fs; shifts the reading frame from serine 2049.
Molecular consequence: frameshift variant.
Genome position (GRCh38, 1-based): chr15:48,441,739, T deleted on the plus strand (A on the coding strand, the reverse complement: FBN1 is on the minus strand). VCF-style (leftmost placement, unchanged base first): chr15-48441738-CT-C. GRCh37 (hg19) VCF-style: chr15-48733935-CT-C.
Other names: c.6145del, p.Ser2049fs (NM_001406716.1); short protein forms S2049fs.
Identifiers: ClinVar variation 2941509 (VCV002941509.3), dbSNP rs2505445952, ClinGen allele CA2740096628.

ClinVar aggregate classification (germline): Pathogenic (1 of 4 stars; one submission).

Conditions:
Marfan syndrome (MFS). Also called: MARFAN SYNDROME, TYPE I; Marfan syndrome type 1; Marfan's syndrome; Marfan syndrome, classic; FBN1-Related Marfan Syndrome. Identifiers: Orphanet 284963, Orphanet 558, MedGen C0024796, MONDO:0007947, OMIM 154700.
Familial thoracic aortic aneurysm and aortic dissection (TAAD). Also called: Thoracic aortic aneurysms and dissections. Identifiers: Orphanet 91387, MedGen C4707243, MONDO:0019625.

Submission:

Labcorp Genetics (formerly Invitae), Labcorp
Classification: Pathogenic for Marfan syndrome; Familial thoracic aortic aneurysm and aortic dissection. Last evaluated: 2024-10-01. Review status: criteria provided, single submitter. Criteria: Invitae Variant Classification Sherloc (09022015). Collection method: clinical testing. Allele origin: germline.
Comment: This sequence change creates a premature translational stop signal (p.Ser2049Valfs*10) in the FBN1 gene. It is expected to result in an absent or disrupted protein product. Loss-of-function variants in FBN1 are known to be pathogenic (PMID: 17657824, 19293843). This variant is not present in population databases (gnomAD no frequency). This variant has not been reported in the literature in individuals affected with FBN1-related conditions. For these reasons, this variant has been classified as Pathogenic.

Literature cited by the submitters: PubMed 17657824; PubMed 19293843.